The following is an entry in ClinVar:

ClinVar aggregate classification (germline): Conflicting classifications of pathogenicity. Review status: criteria provided, conflicting classifications (1 of 4 stars). 5 submissions from 5 submitters: Likely pathogenic (3); Uncertain significance (2). Last evaluated 2026-01-27.

Conditions:
Hypertrophic cardiomyopathy 1 (CMH1). Also called: MYH7-Related Familial Hypertrophic Cardiomyopathy; Familial hypertrophic cardiomyopathy 1. Identifiers: MedGen C3495498, MONDO:0008647, OMIM 192600.
Hypertrophic cardiomyopathy. Also called: HYPERTROPHIC MYOCARDIOPATHY. Identifiers: Orphanet 217569, MedGen C0007194, MeSH D002312, MONDO:0005045, HP:0001639.
Dilated cardiomyopathy 1S (CMD1S). Identifiers: Orphanet 154, Orphanet 54260, MedGen C1834481, MONDO:0013262, OMIM 613426.
Cardiovascular phenotype. Identifiers: MedGen CN230736.

Allele frequency attached by ClinVar (database versions not stated): gnomAD exomes below 0.00001.
gnomAD v4.1: 1 of 1,613,290 alleles (0.000062%); highest among the groups gnomAD compares: Non-Finnish European, 0.000085%; no homozygotes.

Submissions (5):

Labcorp Genetics (formerly Invitae), Labcorp
Classification: Uncertain significance for Hypertrophic cardiomyopathy. Last evaluated: 2026-01-27. Review status: criteria provided, single submitter. Criteria: Invitae Variant Classification Sherloc (09022015). Collection method: clinical testing. Allele origin: germline.
Comment: This sequence change replaces arginine, which is basic and polar, with threonine, which is neutral and polar, at codon 272 of the MYH7 protein (p.Arg272Thr). This variant is not present in population databases (gnomAD no frequency). This missense change has been observed in individual(s) with hypertrophic cardiomyopathy (PMID: 37652022). ClinVar contains an entry for this variant (Variation ID: 518590). Invitae Evidence Modeling of protein sequence and biophysical properties (such as structural, functional, and spatial information, amino acid conservation, physicochemical variation, residue mobility, and thermodynamic stability) indicates that this missense variant is expected to disrupt MYH7 protein function with a positive predictive value of 95%. In summary, the available evidence is currently insufficient to determine the role of this variant in disease. Therefore, it has been classified as a Variant of Uncertain Significance.

GeneDx
Classification: Uncertain significance. Last evaluated: 2024-08-14. Review status: criteria provided, single submitter. Criteria: GeneDx Variant Classification Process June 2021. Collection method: clinical testing. Allele origin: germline. Affected: yes.
Comment: Identified in a patient referred for genetic testing for HCM in published literature (PMID: 37652022); Not observed at significant frequency in large population cohorts (gnomAD); In silico analysis supports that this missense variant has a deleterious effect on protein structure/function; This variant is associated with the following publications: (PMID: 27532257, 29300372, 34542152, 37652022)

Ambry Genetics
Classification: Likely pathogenic for Cardiovascular phenotype. Last evaluated: 2024-02-13. Review status: criteria provided, single submitter. Criteria: Ambry Variant Classification Scheme 2023. Collection method: clinical testing. Allele origin: germline.
Comment: The p.R272T variant (also known as c.815G>C), located in coding exon 8 of the MYH7 gene, results from a G to C substitution at nucleotide position 815. The arginine at codon 272 is replaced by threonine, an amino acid with similar properties. This alteration co-segregated with left ventricular non-compaction (LVNC) in two families tested at our laboratory (Ambry internal data). This variant is considered to be rare based on population cohorts in the Genome Aggregation Database (gnomAD). This amino acid position is highly conserved in available vertebrate species. In addition, this alteration is predicted to be deleterious by in silico analysis. Based on the majority of available evidence to date, this variant is likely to be pathogenic.

Victorian Clinical Genetics Services, Murdoch Childrens Research Institute
Classification: Likely pathogenic for Dilated cardiomyopathy 1S. Last evaluated: 2022-02-02. Review status: criteria provided, single submitter. Criteria: ACMG Guidelines, 2015. Collection method: clinical testing. Allele origin: germline. Inheritance: Autosomal dominant inheritance. Affected: yes.
Comment: Based on the classification scheme VCGS_Germline_v1.3.4, this variant is classified as likely pathogenic. Following criteria are met: 0105 - The mechanism of disease for this gene is not clearly established, however, missense variants have been proposed to act in a dominant negative manner (PMID: 24714796). (I) 0108 - This gene is associated with both recessive and dominant disease. Pathogenic variants in this gene are usually heterozygous, however a recessive inheritance pattern has been observed in severe cases (OMIM). (I) 0112 - The condition associated with this gene has incomplete penetrance (PMID: 29300372). (I) 0200 - Variant is predicted to result in a missense amino acid change from arginine to threonine. (I) 0251 - This variant is heterozygous. (I) 0301 - Variant is absent from gnomAD (both v2 and v3). (SP) 0501 - Missense variant consistently predicted to be damaging by multiple in silico tools or highly conserved with a major amino acid change. (SP) 0602 - Variant is located in a hotspot region or cluster of pathogenic variants. This variant is found within the head region, which is enriched with pathogenic missense variants (PMID: 29300372). (SP) 0705 - No comparable missense variants have previous evidence for pathogenicity. (I) 0802 - This variant has moderate previous evidence of pathogenicity in unrelated individuals. This variant has been reported in multiple individuals with left ventricular non-compaction (LVNC) (ClinVar - personal communication with Ambry Genetics and Invitae). (SP) 0902 - This variant has moderate evidence for segregation with disease. This variant has been shown to segregate with LVNC and cardiomyopathy in four individuals from two families (Ambry Genetics). (SP) 1007 - No published functional evidence has been identified for this variant. (I) 1208 - Inheritance information for this variant is not currently available in this individual. (I) Legend: (SP) - Supporting pathogenic, (I) - Information, (SB) - Supporting benign

Johns Hopkins Genomics, Johns Hopkins University
Classification: Likely pathogenic for Hypertrophic cardiomyopathy 1. Last evaluated: 2021-03-15. Review status: criteria provided, single submitter. Criteria: ACMG Guidelines, 2015. Collection method: clinical testing. Allele origin: germline.

Literature cited by the submitters: PubMed 37652022 (cited by Labcorp Genetics (formerly Invitae), Labcorp); PubMed 24714796 (cited by Victorian Clinical Genetics Services, Murdoch Childrens Research Institute); PubMed 29300372 (cited by Victorian Clinical Genetics Services, Murdoch Childrens Research Institute and Johns Hopkins Genomics, Johns Hopkins University).

NM_000257.4(MYH7):c.815G>C (p.Arg272Thr)

Gene: MYH7 (myosin heavy chain 7; minus strand). Cytogenetic location: 14q11.2.
Variant type: single nucleotide variant.
Coding change: c.815G>C on transcript NM_000257.4 (MANE Select); coding-DNA position 815, G replaced by C.
Protein change: p.Arg272Thr; replaces arginine 272 with threonine.
Molecular consequence: missense variant.
Genome position (GRCh38, 1-based): chr14:23,430,981, C>G on the plus strand (G>C on the coding strand, the complement: MYH7 is on the minus strand). VCF-style: chr14-23430981-C-G. GRCh37 (hg19) VCF-style: chr14-23900190-C-G.
Other names: c.815G>C (LRG_384t1); short protein forms R272T.
Identifiers: ClinVar variation 518590 (VCV000518590.15), dbSNP rs1555338578, ClinGen allele CA389051985.
Genomic context (GRCh38, chr14:23,430,981, plus strand): 5'-TTAGACAGGATTTGGTAGAAAATGTGATAATCTCTCTCTGCTTTCAGCTGGAAAATAACT[C>G]TGGATTTTTCCAGAAGATCTGTGAACAGGTGGGGAGAAGAAGGAGAGAAAGAAAAGTTAG-3'
Protein context (NP_000248.2, residues 262-282): DIETYLLEKS[Arg272Thr]VIFQLKAERD